The following is an entry in ClinVar:

NM_000812.4(GABRB1):c.34C>T (p.Leu12Phe)

Gene: GABRB1 (gamma-aminobutyric acid type A receptor subunit beta1; plus strand). Cytogenetic location: 4p12.
Variant type: single nucleotide variant.
Coding change: c.34C>T on transcript NM_000812.4 (MANE Select); coding-DNA position 34, C replaced by T.
Protein change: p.Leu12Phe; replaces leucine 12 with phenylalanine.
Molecular consequence: missense variant.
Genome position (GRCh38, 1-based): chr4:47,031,685, C>T. VCF-style: chr4-47031685-C-T. GRCh37 (hg19) VCF-style: chr4-47033702-C-T.
Other names: c.34C>T (NM_000812.3); short protein forms L12F.
Identifiers: ClinVar variation 1946972 (VCV001946972.6), dbSNP rs199819422, ClinGen allele CA2907384.

ClinVar aggregate classification (germline): Uncertain significance. Review status: criteria provided, multiple submitters, no conflicts (2 of 4 stars). 2 submissions from 2 submitters: Uncertain significance (2). Last evaluated 2025-03-22.

Allele frequency attached by ClinVar (database versions not stated): TOPMed 0.00002; gnomAD exomes 0.00001; ExAC 0.00002; gnomAD 0.00002.
gnomAD v4.1: 22 of 1,610,700 alleles (0.0014%); highest among the groups gnomAD compares: Non-Finnish European, 0.0019%; no homozygotes.

Submissions (2):

Ambry Genetics
Classification: Uncertain significance. Last evaluated: 2025-03-22. Review status: criteria provided, single submitter. Criteria: Ambry Variant Classification Scheme 2023. Collection method: clinical testing. Allele origin: germline.

Labcorp Genetics (formerly Invitae), Labcorp
Classification: Uncertain significance. Last evaluated: 2023-11-19. Review status: criteria provided, single submitter. Criteria: Invitae Variant Classification Sherloc (09022015). Collection method: clinical testing. Allele origin: germline.
Comment: This sequence change replaces leucine, which is neutral and non-polar, with phenylalanine, which is neutral and non-polar, at codon 12 of the GABRB1 protein (p.Leu12Phe). This variant is present in population databases (rs199819422, gnomAD 0.002%). This variant has not been reported in the literature in individuals affected with GABRB1-related conditions. ClinVar contains an entry for this variant (Variation ID: 1946972). Advanced modeling of protein sequence and biophysical properties (such as structural, functional, and spatial information, amino acid conservation, physicochemical variation, residue mobility, and thermodynamic stability) performed at Invitae indicates that this missense variant is not expected to disrupt GABRB1 protein function with a negative predictive value of 95%. In summary, the available evidence is currently insufficient to determine the role of this variant in disease. Therefore, it has been classified as a Variant of Uncertain Significance.